The following is an entry in ClinVar:

NM_020297.4(ABCC9):c.654_657dup (p.Val220fs)

Gene: ABCC9 (ATP binding cassette subfamily C member 9; minus strand). Cytogenetic location: 12p12.1.
Variant type: Duplication.
Coding change: c.654_657dup on transcript NM_020297.4 (MANE Select); coding-DNA positions 654 to 657, 4 bases duplicated (ATTT; older notation c.654_657dupATTT).
Protein change: p.Val220fs; shifts the reading frame from valine 220.
Molecular consequence: frameshift variant. On other transcripts: intron variant (1).
Genome position (GRCh38, 1-based): chr12:21,915,827-21,915,830, AAAT duplicated on the plus strand (ATTT on the coding strand, the reverse complement: ABCC9 is on the minus strand). VCF-style (leftmost placement, unchanged base first): chr12-21915826-C-CAAAT. GRCh37 (hg19) VCF-style: chr12-22068760-C-CAAAT.
Other names: c.654_657dup, p.Val220fs (NM_001377273.1, NM_005691.4); c.-48-2764_-48-2761dup (NM_001377274.1); short protein forms V220fs.
Identifiers: ClinVar variation 4716285 (VCV004716285.1).

ClinVar aggregate classification (germline): Pathogenic (1 of 4 stars; one submission).

Conditions:
Dilated cardiomyopathy 1O (CMD1O). Also called: CARDIOMYOPATHY, DILATED, WITH VENTRICULAR TACHYCARDIA. Identifiers: Orphanet 154, MedGen C1837839, MONDO:0012062, OMIM 608569.

Submission:

Labcorp Genetics (formerly Invitae), Labcorp
Classification: Pathogenic for Dilated cardiomyopathy 1O. Last evaluated: 2025-08-24. Review status: criteria provided, single submitter. Criteria: Invitae Variant Classification Sherloc (09022015). Collection method: clinical testing. Allele origin: germline.
Comment: This sequence change creates a premature translational stop signal (p.Val220Ilefs*26) in the ABCC9 gene. It is expected to result in an absent or disrupted protein product. Loss-of-function variants in ABCC9 are known to be pathogenic (PMID: 31575858, 38217872). This variant is not present in population databases (gnomAD no frequency). This variant has not been reported in the literature in individuals affected with ABCC9-related conditions. For these reasons, this variant has been classified as Pathogenic.

Literature cited by the submitters: PubMed 31575858; PubMed 38217872.